The following is an entry in ClinVar:

NM_005378.6(MYCN):c.129C>A (p.Thr43=)

Genes: MYCNOS (MYCN opposite strand; minus strand), MYCN (MYCN proto-oncogene, bHLH transcription factor; plus strand). Cytogenetic location: 2p24.3.
Variant type: single nucleotide variant.
Coding change: c.129C>A on transcript NM_005378.6 (MANE Select); coding-DNA position 129, C replaced by A.
Protein change: p.Thr43=; no amino-acid change (threonine 43 retained).
Molecular consequence: synonymous variant. On other transcripts: non-coding transcript variant (1), 3 prime UTR variant (1), intron variant (1).
Genome position (GRCh38, 1-based): chr2:15,942,193, C>A. VCF-style: chr2-15942193-C-A. GRCh37 (hg19) VCF-style: chr2-16082315-C-A.
Other names: c.129C>A, p.Thr43= (NM_001293228.2); c.*64C>A (NM_001293233.2); c.157+1450C>A (NM_001293231.2).
Identifiers: ClinVar variation 3032222 (VCV003032222.3), dbSNP rs779206813, ClinGen allele CA1538125.

ClinVar aggregate classification (germline): Benign. Review status: criteria provided, single submitter (1 of 4 stars). 2 submissions from 2 submitters: Benign (1). 1 of the submissions does not count toward it. Last evaluated 2025-12-15.

Conditions:
MYCN-related disorder. Also called: MYCN-related condition.

Allele frequency attached by ClinVar (database versions not stated): 1000 Genomes Project 30x 0.00016; gnomAD 0.00017.
gnomAD v4.1: 104 of 1,613,714 alleles (0.0064%); highest among the groups gnomAD compares: East Asian, 0.2%; 1 homozygote.

Submissions (2):

Labcorp Genetics (formerly Invitae), Labcorp
Classification: Benign. Last evaluated: 2025-12-15. Review status: criteria provided, single submitter. Criteria: Invitae Variant Classification Sherloc (09022015). Collection method: clinical testing. Allele origin: germline.

PreventionGenetics, part of Exact Sciences
Classification: Likely benign for MYCN-related condition. Last evaluated: 2022-03-17. Review status: no assertion criteria provided. Collection method: clinical testing. Allele origin: germline. Not counted in ClinVar's aggregate classification.
Comment: This variant is classified as likely benign based on ACMG/AMP sequence variant interpretation guidelines (Richards et al. 2015 PMID: 25741868, with internal and published modifications).